The following is an entry in ClinVar:

NM_002691.4(POLD1):c.1856C>T (p.Thr619Ile)

Gene: POLD1 (DNA polymerase delta 1, catalytic subunit; plus strand). Cytogenetic location: 19q13.33.
Variant type: single nucleotide variant.
Coding change: c.1856C>T on transcript NM_002691.4 (MANE Select); coding-DNA position 1856, C replaced by T.
Protein change: p.Thr619Ile; replaces threonine 619 with isoleucine.
Molecular consequence: missense variant. On other transcripts: non-coding transcript variant (1).
Genome position (GRCh38, 1-based): chr19:50,408,865, C>T. VCF-style: chr19-50408865-C-T. GRCh37 (hg19) VCF-style: chr19-50912122-C-T.
Other names: c.1856C>T, p.Thr619Ile (NM_001256849.1); c.1934C>T, p.Thr645Ile (NM_001308632.1); short protein forms T619I, T645I.
Identifiers: ClinVar variation 3308304 (VCV003308304.1).

ClinVar aggregate classification (germline): Uncertain significance (1 of 4 stars; one submission).

Conditions:
Hereditary cancer-predisposing syndrome. Also called: Tumor predisposition; Hereditary Cancer Syndrome; Hereditary neoplastic syndrome; Neoplastic Syndromes, Hereditary. Identifiers: Orphanet 140162, MedGen C0027672, MeSH D009386, MONDO:0015356.

Submission:

Ambry Genetics
Classification: Uncertain significance for Hereditary cancer-predisposing syndrome. Last evaluated: 2024-06-08. Review status: criteria provided, single submitter. Criteria: Ambry Variant Classification Scheme 2023. Collection method: clinical testing. Allele origin: germline.
Comment: The p.T619I variant (also known as c.1856C>T), located in coding exon 14 of the POLD1 gene, results from a C to T substitution at nucleotide position 1856. The threonine at codon 619 is replaced by isoleucine, an amino acid with similar properties. This amino acid position is conserved. In addition, the in silico prediction for this alteration is inconclusive. Based on the available evidence, the clinical significance of this variant remains unclear.